The following is an entry in ClinVar:

NM_058216.3(RAD51C):c.656T>A (p.Leu219Ter)

Genes: RAD51C (RAD51 paralog C; plus strand), LOC129390903 (MPRA-validated peak2919 silencer; plus strand). Cytogenetic location: 17q22.
Variant type: single nucleotide variant.
Coding change: c.656T>A on transcript NM_058216.3 (MANE Select); coding-DNA position 656, T replaced by A.
Protein change: p.Leu219Ter; replaces leucine 219 with a stop codon.
Molecular consequence: nonsense. On other transcripts: non-coding transcript variant (1).
Genome position (GRCh38, 1-based): chr17:58,703,280, T>A. VCF-style: chr17-58703280-T-A. GRCh37 (hg19) VCF-style: chr17-56780641-T-A.
Other names: short protein forms L219*.
Identifiers: ClinVar variation 1098903 (VCV001098903.9), dbSNP rs201529791, ClinGen allele CA400349738.
Genomic context (GRCh38, chr17:58,703,280, plus strand): 5'-TCACTCTTGATAATATTCTTTCTCATATTTATTATTTTCGCTGTCGTGACTACACAGAGT[T>A]ACTGGCACAAGTTTATCTTCTTCCAGATTTCCTTTCAGAACACTCAAAGGTATGAGTCAG-3'

ClinVar aggregate classification (germline): Pathogenic. Review status: criteria provided, multiple submitters, no conflicts (2 of 4 stars). 4 submissions from 4 submitters: Pathogenic (4). Last evaluated 2024-01-03.

Conditions:
Fanconi anemia complementation group O. Also called: RAD51C-Related Fanconi Anemia. Identifiers: Orphanet 84, MedGen C3150653, MONDO:0013248, OMIM 613390.
Breast-ovarian cancer, familial, susceptibility to, 3. Also called: RAD51C-Related Breast/Ovarian Cancer. Identifiers: Orphanet 145, MedGen C3150659, MONDO:0013253, OMIM 613399.

Submissions (4):

Myriad Genetics, Inc.
Classification: Pathogenic for Breast-ovarian cancer, familial, susceptibility to, 3. Last evaluated: 2024-01-03. Review status: criteria provided, single submitter. Criteria: Myriad Autosomal Dominant, Autosomal Recessive and X-Linked Classification Criteria (2023). Collection method: clinical testing. Allele origin: unknown.
Comment: This variant is considered pathogenic. This variant creates a termination codon and is predicted to result in premature protein truncation.

Department of Pathology and Laboratory Medicine, Sinai Health System
Classification: Pathogenic for Breast-ovarian cancer, familial, susceptibility to, 3. Last evaluated: 2022-07-27. Review status: criteria provided, single submitter. Criteria: ACMG Guidelines, 2015. Collection method: clinical testing. Allele origin: germline. Affected: yes.

Labcorp Genetics (formerly Invitae), Labcorp
Classification: Pathogenic for Fanconi anemia complementation group O. Last evaluated: 2021-08-09. Review status: criteria provided, single submitter. Criteria: Invitae Variant Classification Sherloc (09022015). Collection method: clinical testing. Allele origin: germline.
Comment: For these reasons, this variant has been classified as Pathogenic. This variant has not been reported in the literature in individuals affected with RAD51C-related conditions. This variant is not present in population databases (ExAC no frequency). This sequence change creates a premature translational stop signal (p.Leu219*) in the RAD51C gene. It is expected to result in an absent or disrupted protein product. Loss-of-function variants in RAD51C are known to be pathogenic (PMID: 20400964, 21990120, 24800917).

Hereditary Cancer Group, L’Institut d'Investigació Biomèdica de Bellvitge
Classification: Pathogenic for Breast-ovarian cancer, familial, susceptibility to, 3. Last evaluated: 2021-05-03. Review status: criteria provided, single submitter. Criteria: ACMG Guidelines, 2015. Collection method: curation. Allele origin: germline.

Literature cited by the submitters: PubMed 20400964 (cited by Labcorp Genetics (formerly Invitae), Labcorp); PubMed 21990120 (cited by Labcorp Genetics (formerly Invitae), Labcorp); PubMed 24800917 (cited by Labcorp Genetics (formerly Invitae), Labcorp); PubMed 30515680 (cited by Hereditary Cancer Group, L’Institut d'Investigació Biomèdica de Bellvitge).